The following is an entry in ClinVar:

NM_014055.4(IFT81):c.630del (p.Arg210fs)

Gene: IFT81 (intraflagellar transport 81; plus strand). Cytogenetic location: 12q24.11.
Variant type: Deletion.
Coding change: c.630del on transcript NM_014055.4 (MANE Select); coding-DNA position 630, one base deleted (G; older notation c.630delG).
Protein change: p.Arg210fs; shifts the reading frame from arginine 210.
Molecular consequence: frameshift variant. On other transcripts: 5 prime UTR variant (2), non-coding transcript variant (4).
Genome position (GRCh38, 1-based): chr12:110,135,371, G deleted; the last of 2 consecutive G bases (chr12:110,135,370-110,135,371); deleting either gives the same sequence. VCF-style (leftmost placement, unchanged base first): chr12-110135369-AG-A. GRCh37 (hg19) VCF-style: chr12-110573174-AG-A.
Other names: c.630del, p.Arg210fs (NM_001143779.2, NM_001347946.2, NM_031473.4); c.-137del (NM_001347947.2, NM_001347948.2); short protein forms R210fs.
Identifiers: ClinVar variation 4715657 (VCV004715657.1).
Genomic context (GRCh38, chr12:110,135,369, plus strand): 5'-CTTATTCCCTTACTGTAGGTTGAGACAGCTCAGAATCATCAATGGATGCTTAAAATAGCA[AG>A]GCAACTTCGAGTTGAAAAAGAGAGAGAAGAATATCTTGCACAACAGAAACAGGAACAAAA-3'

ClinVar aggregate classification (germline): Pathogenic (1 of 4 stars; one submission).

Submission:

Labcorp Genetics (formerly Invitae), Labcorp
Classification: Pathogenic. Last evaluated: 2025-03-24. Review status: criteria provided, single submitter. Criteria: Invitae Variant Classification Sherloc (09022015). Collection method: clinical testing. Allele origin: germline.
Comment: This sequence change creates a premature translational stop signal (p.Arg210Serfs*38) in the IFT81 gene. It is expected to result in an absent or disrupted protein product. Loss-of-function variants in IFT81 are known to be pathogenic (PMID: 26275418, 27666822). This variant is not present in population databases (gnomAD no frequency). This variant has not been reported in the literature in individuals affected with IFT81-related conditions. For these reasons, this variant has been classified as Pathogenic.

Literature cited by the submitters: PubMed 26275418; PubMed 27666822.